The following is an entry in ClinVar:

ClinVar aggregate classification (germline): Uncertain significance (1 of 4 stars; one submission).

Submission:

Women's Health and Genetics/Laboratory Corporation of America, LabCorp
Classification: Uncertain significance. Last evaluated: 2025-10-23. Review status: criteria provided, single submitter. Criteria: LabCorp Variant Classification Summary - May 2015. Collection method: clinical testing. Allele origin: germline.
Comment: Variant summary: AFG3L2 c.1426+2dupT alters a nucleotide located close to a canonical splice site and therefore could affect mRNA splicing, leading to a significantly altered protein sequence. Several computational tools predict a significant impact on normal splicing: Three predict the variant abolishes a 5' splicing donor site. One predicts the variant no significant impact on splicing. However, these predictions have yet to be confirmed by functional studies. The variant was absent in 251474 control chromosomes. The available data on variant occurrences in the general population are insufficient to allow any conclusion about variant significance. To our knowledge, no occurrence of c.1426+2dupT in individuals affected with AFG3L2-related conditions and no experimental evidence demonstrating its impact on protein function have been reported. No submitters have cited clinical-significance assessments for this variant to ClinVar. Based on the evidence outlined above, the variant was classified as uncertain significance.

NM_006796.3(AFG3L2):c.1426+2dup

Gene: AFG3L2 (AFG3 like matrix AAA peptidase subunit 2; minus strand). Cytogenetic location: 18p11.21.
Variant type: Duplication.
Coding change: c.1426+2dup on transcript NM_006796.3 (MANE Select); the canonical splice donor site of the intron after coding-DNA position 1426, one base duplicated (T; older notation c.1426+2dupT).
Molecular consequence: splice donor variant.
Genome position (GRCh38, 1-based): chr18:12,351,304, A duplicated on the plus strand (T on the coding strand, the reverse complement: AFG3L2 is on the minus strand). VCF-style (leftmost placement, unchanged base first): chr18-12351303-C-CA. GRCh37 (hg19) VCF-style: chr18-12351302-C-CA.
Other names: c.1426+2dupT (NM_006796.3).
Identifiers: ClinVar variation 4687796 (VCV004687796.1).
Genomic context (GRCh38, chr18:12,351,303, plus strand): 5'-ATATTGAAACAGTCACACCTACACTCATGAGCACTGGACCTGCCCCAGCAAACATCATCT[C>CA]ACCAATAAAGATCTGCCTGTCGAAACGCCCCGGCCTAAGCAGCGCGGGGTCCAGGATATC-3'